The following is an entry in ClinVar:

NM_144573.4(NEXN):c.541A>G (p.Thr181Ala)

Gene: NEXN (nexilin F-actin binding protein; plus strand). Cytogenetic location: 1p31.1.
Variant type: single nucleotide variant.
Coding change: c.541A>G on transcript NM_144573.4 (MANE Select); coding-DNA position 541, A replaced by G.
Protein change: p.Thr181Ala; replaces threonine 181 with alanine.
Molecular consequence: missense variant.
Genome position (GRCh38, 1-based): chr1:77,926,465, A>G. VCF-style: chr1-77926465-A-G. GRCh37 (hg19) VCF-style: chr1-78392150-A-G.
Other names: c.349A>G, p.Thr117Ala (NM_001172309.2); short protein forms T117A, T181A.
Identifiers: ClinVar variation 3229178 (VCV003229178.1), dbSNP rs2523205170, ClinGen allele CA340872333.

ClinVar aggregate classification (germline): Uncertain significance (1 of 4 stars; one submission).

Conditions:
Cardiovascular phenotype. Identifiers: MedGen CN230736.

Allele frequency attached by ClinVar (database versions not stated): gnomAD exomes below 0.00001.
gnomAD v4.1: 2 of 1,609,416 alleles (0.00012%); highest among the groups gnomAD compares: Non-Finnish European, 0.00017%; no homozygotes.

Submission:

Ambry Genetics
Classification: Uncertain significance for Cardiovascular phenotype. Last evaluated: 2023-12-10. Review status: criteria provided, single submitter. Criteria: Ambry Variant Classification Scheme 2023. Collection method: clinical testing. Allele origin: germline.
Comment: The p.T181A variant (also known as c.541A>G), located in coding exon 6 of the NEXN gene, results from an A to G substitution at nucleotide position 541. The threonine at codon 181 is replaced by alanine, an amino acid with similar properties. This amino acid position is conserved. In addition, this alteration is predicted to be tolerated by in silico analysis. Since supporting evidence is limited at this time, the clinical significance of this alteration remains unclear.